The following is an entry in ClinVar:

ClinVar aggregate classification (germline): Conflicting classifications of pathogenicity. Review status: criteria provided, conflicting classifications (1 of 4 stars). 9 submissions from 9 submitters: Uncertain significance (2); Benign (1); Likely benign (5). 1 of the submissions does not count toward it. Last evaluated 2026-08-01.

Conditions:
Cardiovascular phenotype. Identifiers: MedGen CN230736.
TTN-related disorder. Also called: TTN-related condition; TTN-related disease; TTN-related disorders.
Autosomal recessive limb-girdle muscular dystrophy type 2J (LGMDR10). Also called: Limb-girdle muscular dystrophy, type 2J; MUSCULAR DYSTROPHY, LIMB-GIRDLE, AUTOSOMAL RECESSIVE 10. Identifiers: Orphanet 140922, MedGen C1837342, MONDO:0012127, OMIM 608807.
Dilated cardiomyopathy 1G (CMD1G). Identifiers: Orphanet 154, MedGen C1858763, MONDO:0011400, OMIM 604145.

Allele frequency attached by ClinVar (database versions not stated): ExAC 0.00008; gnomAD exomes 0.00008 and 0.00037; 1000 Genomes Project 30x 0.00078; 1000 Genomes Project 0.00080; TOPMed 0.00105; gnomAD 0.00116 and 0.00121.
gnomAD v4.1: 290 of 1,612,718 alleles (0.018%); highest among the groups gnomAD compares: Admixed American, 0.46%; 3 homozygotes.

Submissions (9):

CeGaT Center for Human Genetics Tuebingen
Classification: Likely benign. Last evaluated: 2026-08-01. Review status: criteria provided, single submitter. Criteria: CeGaT Center For Human Genetics Tuebingen Variant Classification Criteria Version 2. Collection method: clinical testing. Allele origin: germline. Affected: yes. Observed: 3 variant alleles.
Comment: TTN: BS2

Labcorp Genetics (formerly Invitae), Labcorp
Classification: Likely benign for Dilated cardiomyopathy 1G; Autosomal recessive limb-girdle muscular dystrophy type 2J. Last evaluated: 2026-01-24. Review status: criteria provided, single submitter. Criteria: Invitae Variant Classification Sherloc (09022015). Collection method: clinical testing. Allele origin: germline.

Mayo Clinic Laboratories, Mayo Clinic
Classification: Likely benign. Last evaluated: 2025-07-30. Review status: criteria provided, single submitter. Criteria: ACMG Guidelines, 2015. Collection method: clinical testing. Allele origin: germline. Observed: 1 variant allele.
Comment: BS1

Women's Health and Genetics/Laboratory Corporation of America, LabCorp
Classification: Likely benign. Last evaluated: 2025-07-18. Review status: criteria provided, single submitter. Criteria: LabCorp Variant Classification Summary - May 2015. Collection method: clinical testing. Allele origin: germline.
Comment: Variant summary: TTN c.68941G>A (p.Gly22981Ser) results in a non-conservative amino acid change in the encoded protein sequence. Algorithms developed to predict the effect of missense changes on protein structure and function are either unavailable or do not agree on the potential impact of this missense change. The variant allele was found at a frequency of 0.00037 in 247998 control chromosomes, predominantly at a frequency of 0.0026 within the Latino subpopulation in the gnomAD database, including 2 homozygotes. The observed variant frequency within Latino control individuals in the gnomAD database is approximately 6.65 fold of the estimated maximal expected allele frequency for a pathogenic variant in TTN causing Dilated Cardiomyopathy phenotype (0.00039). c.68941G>A has been observed in an individual affected with Brugada syndrome, without strong evidence for causality (Campuzano_2015, Martinez-Barrios_2022). These report(s) do not provide unequivocal conclusions about association of the variant with Dilated Cardiomyopathy. To our knowledge, no experimental evidence demonstrating an impact on protein function has been reported. The following publications have been ascertained in the context of this evaluation (PMID: 26516846, 35207729). ClinVar contains an entry for this variant (Variation ID: 404661). Based on the evidence outlined above, the variant was classified as likely benign.

Revvity Omics, Revvity
Classification: Uncertain significance. Last evaluated: 2024-07-15. Review status: criteria provided, single submitter. Criteria: ACMG Guidelines, 2015. Collection method: clinical testing. Allele origin: germline.

Ambry Genetics
Classification: Likely benign for Cardiovascular phenotype. Last evaluated: 2019-11-20. Review status: criteria provided, single submitter. Criteria: Ambry Variant Classification Scheme 2023. Collection method: clinical testing. Allele origin: germline.

GeneDx
Classification: Benign. Last evaluated: 2019-05-06. Review status: criteria provided, single submitter. Criteria: GeneDx Variant Classification Process June 2021. Collection method: clinical testing. Allele origin: germline. Affected: yes.

Eurofins Ntd Llc (ga)
Classification: Uncertain significance. Last evaluated: 2017-01-04. Review status: criteria provided, single submitter. Criteria: EGL Classification Definitions 2015. Collection method: clinical testing. Allele origin: germline. Observed: 1 variant allele, 1 heterozygote.

PreventionGenetics, part of Exact Sciences
Classification: Likely benign for TTN-related condition. Last evaluated: 2022-04-25. Review status: no assertion criteria provided. Collection method: clinical testing. Allele origin: germline. Not counted in ClinVar's aggregate classification.
Comment: This variant is classified as likely benign based on ACMG/AMP sequence variant interpretation guidelines (Richards et al. 2015 PMID: 25741868, with internal and published modifications).

Literature cited by the submitters: PubMed 35207729 (cited by Mayo Clinic Laboratories, Mayo Clinic and Women's Health and Genetics/Laboratory Corporation of America, LabCorp); PubMed 26516846 (cited by Women's Health and Genetics/Laboratory Corporation of America, LabCorp).

NM_001267550.2(TTN):c.76645G>A (p.Gly25549Ser)

Genes: TTN (titin; minus strand), TTN-AS1 (TTN antisense RNA 1; plus strand). Cytogenetic location: 2q31.2.
Variant type: single nucleotide variant.
Coding change: c.76645G>A on transcript NM_001267550.2 (MANE Select); coding-DNA position 76645, G replaced by A.
Protein change: p.Gly25549Ser; replaces glycine 25549 with serine.
Molecular consequence: missense variant.
Genome position (GRCh38, 1-based): chr2:178,569,487, C>T on the plus strand (G>A on the coding strand, the complement: TTN is on the minus strand). VCF-style: chr2-178569487-C-T. GRCh37 (hg19) VCF-style: chr2-179434214-C-T.
Other names: p.Gly22981Ser; c.71722G>A, p.Gly23908Ser (NM_001256850.1); c.49450G>A, p.Gly16484Ser (NM_003319.4); c.68941G>A, p.Gly22981Ser (NM_133378.4); c.49825G>A, p.Gly16609Ser (NM_133432.3); c.50026G>A, p.Gly16676Ser (NM_133437.4); short protein forms G25549S, G22981S, G23908S, G16676S, G16484S, G16609S.
Identifiers: ClinVar variation 404661 (VCV000404661.33), dbSNP rs181166140, ClinGen allele CA1989878.